The following is an entry in ClinVar:

NM_000352.6(ABCC8):c.4377_4378del (p.Lys1460fs)

Gene: ABCC8 (ATP binding cassette subfamily C member 8; minus strand). Cytogenetic location: 11p15.1.
Variant type: Deletion.
Coding change: c.4377_4378del on transcript NM_000352.6 (MANE Select); coding-DNA positions 4377 to 4378, 2 bases deleted (GA; older notation c.4377_4378delGA).
Protein change: p.Lys1460fs; shifts the reading frame from lysine 1460.
Molecular consequence: frameshift variant. On other transcripts: non-coding transcript variant (1).
Genome position (GRCh38, 1-based): chr11:17,395,205-17,395,206, TC deleted on the plus strand (GA on the coding strand, the reverse complement: ABCC8 is on the minus strand). VCF-style (leftmost placement, unchanged base first): chr11-17395204-TTC-T. GRCh37 (hg19) VCF-style: chr11-17416751-TTC-T.
Other names: c.4380_4381del, p.Lys1461fs (NM_001287174.3); c.4443_4444del, p.Lys1482fs (NM_001351295.2); c.4377_4378del, p.Lys1460fs (NM_001351296.2); c.4374_4375del, p.Lys1459fs (NM_001351297.2); short protein forms K1459fs, K1460fs, K1461fs, K1482fs.
Identifiers: ClinVar variation 5011564 (VCV005011564.1).

ClinVar aggregate classification (germline): Pathogenic (1 of 4 stars; one submission).

Conditions:
Hyperinsulinemic hypoglycemia, familial, 1 (HHF1). Also called: HYPERINSULINISM, FAMILIAL, WITH PANCREATIC NESIDIOBLASTOSIS; HYPOGLYCEMIA, HYPERINSULINEMIC, OF INFANCY; NESIDIOBLASTOSIS OF PANCREAS; Persistent Hyperinsulinemia Hypoglycemia of Infancy; Persistent hyperinsulinemic hypoglycemia of infancy. Identifiers: Orphanet 276575, Orphanet 276598, MedGen C2931832, MONDO:0009734, OMIM 256450.

Submission:

Myriad Genetics, Inc.
Classification: Pathogenic for Hyperinsulinemic hypoglycemia, familial, 1. Last evaluated: 2023-09-05. Review status: criteria provided, single submitter. Criteria: Myriad Autosomal Dominant, Autosomal Recessive and X-Linked Classification Criteria (2023). Collection method: clinical testing. Allele origin: unknown.
Comment: NM_000352.3(ABCC8):c.4377_4378delGA(K1460Afs*52) is expected to be pathogenic in the context of familial hyperinsulinism, ABCC8-related. This variant is predicted to lead to an abnormal or absent protein product due to the creation of a premature termination codon in ABCC8, a gene where loss-of-function variants are known to be pathogenic. Please note: this variant was assessed in the context of healthy population screening.